The following is an entry in ClinVar:

ClinVar aggregate classification (germline): Uncertain significance (1 of 4 stars; one submission).

Conditions:
Inborn genetic diseases. Identifiers: MedGen C0950123, MeSH D030342.

Submission:

Ambry Genetics
Classification: Uncertain significance for Inborn genetic diseases. Last evaluated: 2026-05-20. Review status: criteria provided, single submitter. Criteria: Ambry Variant Classification Scheme 2023. Collection method: clinical testing. Allele origin: germline.
Comment: The p.E179K variant (also known as c.535G>A), located in coding exon 2 of the FANCM gene, results from a G to A substitution at nucleotide position 535. The glutamic acid at codon 179 is replaced by lysine, an amino acid with similar properties. This amino acid position is conserved. In addition, this alteration is predicted to be tolerated by in silico analysis. Based on the available evidence, the clinical significance of this variant remains unclear.

NM_020937.4(FANCM):c.535G>A (p.Glu179Lys)

Gene: FANCM (FA complementation group M; plus strand). Cytogenetic location: 14q21.2.
Variant type: single nucleotide variant.
Coding change: c.535G>A on transcript NM_020937.4 (MANE Select); coding-DNA position 535, G replaced by A.
Protein change: p.Glu179Lys; replaces glutamic acid 179 with lysine.
Molecular consequence: missense variant.
Genome position (GRCh38, 1-based): chr14:45,137,095, G>A. VCF-style: chr14-45137095-G-A. GRCh37 (hg19) VCF-style: chr14-45606298-G-A.
Other names: c.535G>A, p.Glu179Lys (NM_001308133.2, NM_001308134.2); short protein forms E179K.
Identifiers: ClinVar variation 4871154 (VCV004871154.1).